The following is an entry in ClinVar:

NM_006269.2(RP1):c.1094G>A (p.Ser365Asn)

Gene: RP1 (RP1 axonemal microtubule associated; plus strand). Cytogenetic location: 8q12.1.
Variant type: single nucleotide variant.
Coding change: c.1094G>A on transcript NM_006269.2 (MANE Select); coding-DNA position 1094, G replaced by A.
Protein change: p.Ser365Asn; replaces serine 365 with asparagine.
Molecular consequence: missense variant. On other transcripts: intron variant (1).
Genome position (GRCh38, 1-based): chr8:54,624,976, G>A. VCF-style: chr8-54624976-G-A. GRCh37 (hg19) VCF-style: chr8-55537536-G-A.
Other names: c.787+2688G>A (NM_001375654.1); short protein forms S365N.
Identifiers: ClinVar variation 1353428 (VCV001353428.6), dbSNP rs781052040, ClinGen allele CA4751319.

ClinVar aggregate classification (germline): Uncertain significance (1 of 4 stars; one submission).

Allele frequency attached by ClinVar (database versions not stated): gnomAD exomes below 0.00001; ExAC 0.00001.

Submission:

Labcorp Genetics (formerly Invitae), Labcorp
Classification: Uncertain significance. Last evaluated: 2022-03-09. Review status: criteria provided, single submitter. Criteria: Invitae Variant Classification Sherloc (09022015). Collection method: clinical testing. Allele origin: germline.
Comment: This variant is present in population databases (rs781052040, gnomAD 0.0009%). This variant has not been reported in the literature in individuals affected with RP1-related conditions. This sequence change replaces serine, which is neutral and polar, with asparagine, which is neutral and polar, at codon 365 of the RP1 protein (p.Ser365Asn). Algorithms developed to predict the effect of missense changes on protein structure and function output the following: SIFT: "Tolerated"; PolyPhen-2: "Benign"; Align-GVGD: "Class C0". The asparagine amino acid residue is found in multiple mammalian species, which suggests that this missense change does not adversely affect protein function. In summary, the available evidence is currently insufficient to determine the role of this variant in disease. Therefore, it has been classified as a Variant of Uncertain Significance.